The following is an entry in ClinVar:

NM_017644.3(KLHL24):c.532del (p.His178fs)

Gene: KLHL24 (kelch like family member 24; plus strand). Cytogenetic location: 3q27.1.
Variant type: Deletion.
Coding change: c.532del on transcript NM_017644.3 (MANE Select); coding-DNA position 532, one base deleted (C; older notation c.532delC).
Protein change: p.His178fs; shifts the reading frame from histidine 178.
Molecular consequence: frameshift variant. On other transcripts: 5 prime UTR variant (2), non-coding transcript variant (2).
Genome position (GRCh38, 1-based): chr3:183,650,888, C deleted; the last of 3 consecutive C bases (chr3:183,650,886-183,650,888); deleting any one gives the same sequence. VCF-style (leftmost placement, unchanged base first): chr3-183650885-AC-A. GRCh37 (hg19) VCF-style: chr3-183368673-AC-A.
Other names: c.532del, p.His178fs (NM_001349413.1, NM_001349414.1, NM_001349415.1 and 11 more transcripts); c.-435del (NM_001349428.1, NM_001349429.1); short protein forms H178fs.
Identifiers: ClinVar variation 4845247 (VCV004845247.1).

ClinVar aggregate classification (germline): Pathogenic (1 of 4 stars; one submission).

Conditions:
Cardiomyopathy, familial hypertrophic, 29, with polyglucosan bodies (CMH29). Identifiers: MedGen C5774308, MONDO:0859372, OMIM 620236.

Submission:

The Key Laboratory for Human Disease Gene Study of Sichuan Province, Sichuan Academy of Medical Sciences & Sichuan Provincial People’s Hospital
Classification: Pathogenic for Cardiomyopathy, familial hypertrophic, 29, with polyglucosan bodies. Last evaluated: 2026-03-30. Review status: criteria provided, single submitter. Criteria: ACMG Guidelines, 2015. Collection method: clinical testing. Allele origin: paternal. Inheritance: Autosomal recessive inheritance. Affected: yes. Observed: 2 variant alleles, 2 compound heterozygotes. Clinical features observed: Hypertrophic cardiomyopathy (HP:0001639).
Comment: The KLHL24 c.532del (p.His178Ilefs*66) is a frameshift variant located in exon 3, within the BACK domain of the gene. This single base pair deletion results in a frameshift and premature termination codon, which is predicted to cause loss of normal protein function through either nonsense-mediated mRNA decay or production of a truncated, non-functional protein product (PVS1). This variant is absent from population databases such as gnomAD (PM2_Supporting). To date, there are no prior reports of this variant in the literature or in ClinVar. The c.1514A>G variant is classified as likely pathogenic (PM3+PM2_Supporting+PP3_Strong). The presence of these two variants in trans configuration in two affected individuals provides strong evidence for pathogenicity (PM3). In summary, this variant meets criteria to be classified as likely pathogenic for the autosomal recessive form of hypertrophic cardiomyopathy associated with KLHL24 based on the ACMG/AMP criteria applied: PVS1, PM2_Supporting, PM3.